The following is an entry in ClinVar:

ClinVar aggregate classification (germline): Uncertain significance (1 of 4 stars; one submission).

Submission:

Labcorp Genetics (formerly Invitae), Labcorp
Classification: Uncertain significance. Last evaluated: 2022-12-06. Review status: criteria provided, single submitter. Criteria: Invitae Variant Classification Sherloc (09022015). Collection method: clinical testing. Allele origin: germline.
Comment: In summary, the available evidence is currently insufficient to determine the role of this variant in disease. Therefore, it has been classified as a Variant of Uncertain Significance. Variants that disrupt the consensus splice site are a relatively common cause of aberrant splicing (PMID: 17576681, 9536098). Algorithms developed to predict the effect of sequence changes on RNA splicing suggest that this variant may disrupt the consensus splice site. This variant has not been reported in the literature in individuals affected with MYH14-related conditions. This variant is not present in population databases (gnomAD no frequency). This sequence change falls in intron 16 of the MYH14 gene. It does not directly change the encoded amino acid sequence of the MYH14 protein. It affects a nucleotide within the consensus splice site.

Literature cited by the submitters: PubMed 17576681; PubMed 9536098.

NM_001145809.2(MYH14):c.2232+5_2232+8del

Gene: MYH14 (myosin heavy chain 14; plus strand). Cytogenetic location: 19q13.33.
Variant type: Microsatellite.
Coding change: c.2232+5_2232+8del on transcript NM_001145809.2 (MANE Select); bases 5 to 8 of the intron after coding-DNA position 2232, 4 bases deleted (GTGA; older notation c.2232+5_2232+8delGTGA).
Molecular consequence: splice donor variant.
Genome position (GRCh38, 1-based): chr19:50,257,491-50,257,494, GTGA deleted; deleting any 4 consecutive bases within chr19:50,257,487-50,257,494 gives the same sequence; the c. name uses the placement nearest the transcript's 3' end. VCF-style (leftmost placement, unchanged base first): chr19-50257486-GGTGA-G. GRCh37 (hg19) VCF-style: chr19-50760743-GGTGA-G.
Other names: c.2133+5_2133+8del (NM_001077186.2); c.2109+5_2109+8del (NM_024729.4).
Identifiers: ClinVar variation 1994274 (VCV001994274.4), dbSNP rs2514376839, ClinGen allele CA2580614944.